The following is an entry in ClinVar:

ClinVar aggregate classification (germline): Uncertain significance (1 of 4 stars; one submission).

Submission:

Women's Health and Genetics/Laboratory Corporation of America, LabCorp
Classification: Uncertain significance. Last evaluated: 2024-03-04. Review status: criteria provided, single submitter. Criteria: LabCorp Variant Classification Summary - May 2015. Collection method: clinical testing. Allele origin: germline.
Comment: Variant summary: SOS1 c.*13T>C is located in the untranslated mRNA region downstream of the termination codon. The variant was absent in 251106 control chromosomes (gnomAD). The available data on variant occurrences in the general population are insufficient to allow any conclusion about variant significance. To our knowledge, no occurrence of c.*13T>C in individuals affected with Noonan Syndrome And Related Conditions and no experimental evidence demonstrating its impact on protein function have been reported. No submitters have cited clinical-significance assessments for this variant to ClinVar. Based on the evidence outlined above, the variant was classified as uncertain significance.

NM_005633.4(SOS1):c.*13T>C

Gene: SOS1 (SOS Ras/Rac guanine nucleotide exchange factor 1; minus strand). Cytogenetic location: 2p22.1.
Variant type: single nucleotide variant.
Coding change: c.*13T>C on transcript NM_005633.4 (MANE Select); 13 bases downstream of the stop codon, T replaced by C.
Molecular consequence: 3 prime UTR variant.
Genome position (GRCh38, 1-based): chr2:38,985,811, A>G on the plus strand (T>C on the coding strand, the complement: SOS1 is on the minus strand). VCF-style: chr2-38985811-A-G. GRCh37 (hg19) VCF-style: chr2-39212952-A-G.
Other names: c.*13T>C (NM_001382394.1, NM_001382395.1).
Identifiers: ClinVar variation 3233674 (VCV003233674.2), dbSNP rs2528868453, ClinGen allele CA2568415930.
Genomic context (GRCh38, chr2:38,985,811, plus strand): 5'-TGGCACATTCAGTGCATCCATTGCCAGCAATGGATTTGGGGCTAGGAAAATATACATCCC[A>G]GTACAGAGGAACTCAGGAAGAATGGGCATTCTCCAACAGTGGTGGTCCATCTCTGTGCAT-3'